The following is an entry in ClinVar:

NM_025216.3(WNT10A):c.831G>T (p.Trp277Cys)

Gene: WNT10A (Wnt family member 10A; plus strand). Cytogenetic location: 2q35.
Variant type: single nucleotide variant.
Coding change: c.831G>T on transcript NM_025216.3 (MANE Select); coding-DNA position 831, G replaced by T.
Protein change: p.Trp277Cys; replaces tryptophan 277 with cysteine.
Molecular consequence: missense variant.
Genome position (GRCh38, 1-based): chr2:218,892,848, G>T. VCF-style: chr2-218892848-G-T. GRCh37 (hg19) VCF-style: chr2-219757570-G-T.
Other names: short protein forms W277C.
Identifiers: ClinVar variation 532830 (VCV000532830.10), dbSNP rs1234227647, ClinGen allele CA350589733.

ClinVar aggregate classification (germline): Uncertain significance. Review status: criteria provided, single submitter (1 of 4 stars). 2 submissions from 2 submitters: Uncertain significance (1). 1 of the submissions does not count toward it. Last evaluated 2023-02-14.

Conditions:
Odonto-onycho-dermal dysplasia. Identifiers: Orphanet 2721, MedGen C0796093, MONDO:0009773, OMIM 257980.
Tooth agenesis, selective, 4 (STHAG4). Also called: LATERAL INCISORS, ABSENCE OF; LATERAL INCISORS, PEGGED OR MISSING; SUCCEDANEOUS TEETH, AGENESIS OF; TOOTH AGENESIS, SELECTIVE, 4, WITH OR WITHOUT ECTODERMAL DYSPLASIA. Identifiers: Orphanet 99798, MedGen C1835492, MONDO:0007881, OMIM 150400. Disease mechanism: loss of function.
Schöpf-Schulz-Passarge syndrome. Also called: ECCRINE TUMORS WITH ECTODERMAL DYSPLASIA; KERATOSIS PALMOPLANTARIS WITH CYSTIC EYELIDS, HYPODONTIA, AND HYPOTRICHOSIS; SchC6pf-Schulz-Passarge syndrome. Identifiers: Orphanet 50944, MedGen C1857069, MONDO:0009145, OMIM 224750.

Allele frequency attached by ClinVar (database versions not stated): gnomAD 0.00001; TOPMed 0.00001.
gnomAD v4.1: 4 of 1,589,770 alleles (0.00025%); highest among the groups gnomAD compares: Admixed American, 0.0017%; no homozygotes.

Submissions (2):

Labcorp Genetics (formerly Invitae), Labcorp
Classification: Uncertain significance for Tooth agenesis, selective, 4; Odonto-onycho-dermal dysplasia. Last evaluated: 2023-02-14. Review status: criteria provided, single submitter. Criteria: Invitae Variant Classification Sherloc (09022015). Collection method: clinical testing. Allele origin: germline.
Comment: Advanced modeling of protein sequence and biophysical properties (such as structural, functional, and spatial information, amino acid conservation, physicochemical variation, residue mobility, and thermodynamic stability) performed at Invitae indicates that this missense variant is expected to disrupt WNT10A protein function. ClinVar contains an entry for this variant (Variation ID: 532830). This missense change has been observed in individual(s) with both dominant and recessive WNT10A-related disease (PMID: 22581971, 24700731, 26087098, 28976000; Invitae). The frequency data for this variant in the population databases is considered unreliable, as metrics indicate poor data quality at this position in the gnomAD database. This sequence change replaces tryptophan, which is neutral and slightly polar, with cysteine, which is neutral and slightly polar, at codon 277 of the WNT10A protein (p.Trp277Cys). In summary, the available evidence is currently insufficient to determine the role of this variant in disease. Therefore, it has been classified as a Variant of Uncertain Significance.

Natera, Inc.
Classification: Uncertain significance for Schopf-Schulz-Passarge syndrome. Last evaluated: 2020-08-13. Review status: no assertion criteria provided. Collection method: clinical testing. Allele origin: germline. Not counted in ClinVar's aggregate classification.

Literature cited by the submitters: PubMed 22581971 (cited by Labcorp Genetics (formerly Invitae), Labcorp); PubMed 24700731 (cited by Labcorp Genetics (formerly Invitae), Labcorp); PubMed 26087098 (cited by Labcorp Genetics (formerly Invitae), Labcorp); PubMed 28976000 (cited by Labcorp Genetics (formerly Invitae), Labcorp).